The following is an entry in ClinVar:

NM_014714.4(IFT140):c.1405C>G (p.Leu469Val)

Genes: IFT140 (intraflagellar transport 140; minus strand), LOC105371046 (uncharacterized LOC105371046; plus strand). Cytogenetic location: 16p13.3.
Variant type: single nucleotide variant.
Coding change: c.1405C>G on transcript NM_014714.4 (MANE Select); coding-DNA position 1405, C replaced by G.
Protein change: p.Leu469Val; replaces leucine 469 with valine.
Molecular consequence: missense variant.
Genome position (GRCh38, 1-based): chr16:1,583,341, G>C on the plus strand (C>G on the coding strand, the complement: IFT140 is on the minus strand). VCF-style: chr16-1583341-G-C. GRCh37 (hg19) VCF-style: chr16-1633342-G-C.
Other names: short protein forms L469V.
Identifiers: ClinVar variation 960329 (VCV000960329.9), dbSNP rs190034269, ClinGen allele CA7814313.

ClinVar aggregate classification (germline): Uncertain significance. Review status: criteria provided, multiple submitters, no conflicts (2 of 4 stars). 3 submissions from 3 submitters: Uncertain significance (3). Last evaluated 2025-04-04.

Conditions:
Inborn genetic diseases. Identifiers: MedGen C0950123, MeSH D030342.
Saldino-Mainzer syndrome (SRTD9). Also called: CONORENAL SYNDROME; SHORT-RIB THORACIC DYSPLASIA 9 WITHOUT POLYDACTYLY; short-rib thoracic dysplasia 9 with or without polydactyly; Renal dysplasia, retinal pigmentary dystrophy, cerebellar ataxia and skeletal dysplasia. Identifiers: Orphanet 140969, MedGen C1849437, MONDO:0009964, OMIM 266920.
Retinitis pigmentosa 80 (RP80). Identifiers: MedGen C4540439, MONDO:0054708, OMIM 617781.

gnomAD v4.1: 4 of 1,614,144 alleles (0.00025%); highest among the groups gnomAD compares: Admixed American, 0.005%; no homozygotes.

Submissions (3):

Ambry Genetics
Classification: Uncertain significance for Inborn genetic diseases. Last evaluated: 2025-04-04. Review status: criteria provided, single submitter. Criteria: Ambry Variant Classification Scheme 2023. Collection method: clinical testing. Allele origin: germline.

Labcorp Genetics (formerly Invitae), Labcorp
Classification: Uncertain significance for Saldino-Mainzer syndrome. Last evaluated: 2022-03-10. Review status: criteria provided, single submitter. Criteria: Invitae Variant Classification Sherloc (09022015). Collection method: clinical testing. Allele origin: germline.
Comment: This sequence change replaces leucine, which is neutral and non-polar, with valine, which is neutral and non-polar, at codon 469 of the IFT140 protein (p.Leu469Val). This variant is present in population databases (rs190034269, gnomAD 0.006%). This variant has not been reported in the literature in individuals affected with IFT140-related conditions. ClinVar contains an entry for this variant (Variation ID: 960329). Algorithms developed to predict the effect of missense changes on protein structure and function (SIFT, PolyPhen-2, Align-GVGD) all suggest that this variant is likely to be tolerated. In summary, the available evidence is currently insufficient to determine the role of this variant in disease. Therefore, it has been classified as a Variant of Uncertain Significance.

Fulgent Genetics
Classification: Uncertain significance for Saldino-Mainzer syndrome; Retinitis pigmentosa 80. Last evaluated: 2021-11-03. Review status: criteria provided, single submitter. Criteria: ACMG Guidelines, 2015. Collection method: clinical testing. Allele origin: unknown.